The following is an entry in ClinVar:

NM_001165963.4(SCN1A):c.5284_5291dup (p.Phe1764fs)

Genes: SCN1A (sodium voltage-gated channel alpha subunit 1; minus strand), LOC102724058 (uncharacterized LOC102724058; plus strand). Cytogenetic location: 2q24.3.
Variant type: Duplication.
Coding change: c.5284_5291dup on transcript NM_001165963.4 (MANE Select); coding-DNA positions 5284 to 5291, 8 bases duplicated (GGAATTTT; older notation c.5284_5291dupGGAATTTT).
Protein change: p.Phe1764fs; shifts the reading frame from phenylalanine 1764.
Molecular consequence: frameshift variant. On other transcripts: non-coding transcript variant (1).
Genome position (GRCh38, 1-based): chr2:165,991,984-165,991,991, AAAATTCC duplicated on the plus strand (GGAATTTT on the coding strand, the reverse complement: SCN1A is on the minus strand); duplicating any 8 consecutive bases within chr2:165,991,984-165,991,993 gives the same sequence; the c. name uses the placement nearest the transcript's 3' end. VCF-style (leftmost placement, unchanged base first): chr2-165991983-G-GAAAATTCC. GRCh37 (hg19) VCF-style: chr2-166848493-G-GAAAATTCC.
Other names: c.5200_5207dup, p.Phe1736fs (NM_001165964.3, NM_001353957.2, NM_001353958.2); c.5284_5291dup, p.Phe1764fs (NM_001202435.3, NM_001353948.2); c.5251_5258dup, p.Phe1753fs (NM_001353949.2, NM_001353950.2, NM_001353951.2 and 2 more transcripts); c.5248_5255dup, p.Phe1752fs (NM_001353954.2, NM_001353955.2); c.5197_5204dup, p.Phe1735fs (NM_001353960.2); c.2842_2849dup, p.Phe950fs (NM_001353961.2); short protein forms F1736fs, F950fs, F1752fs, F1753fs, F1764fs, F1735fs.
Identifiers: ClinVar variation 189983 (VCV000189983.1), dbSNP rs794726814, ClinGen allele CA303478.
Genomic context (GRCh38, chr2:165,991,983, plus strand): 5'-GACCGCGATGTACATGTTCACCACAACCAGGAAGGATATGATGATGTAACTGACAAAAAA[G>GAAAATTCC]AAAATTCCAACAGATGGGTTCCCACAGTCTCCCTTAACTGAGCTTCCAGGGTTAACTTTA-3'

ClinVar aggregate classification (germline): Pathogenic (1 of 4 stars; one submission).

Conditions:
Severe myoclonic epilepsy in infancy (DRVT). Also called: Epileptic encephalopathy, early infantile, 6 (Dravet syndrome); SEVERE MYOCLONIC EPILEPSY OF INFANCY; DEVELOPMENTAL AND EPILEPTIC ENCEPHALOPATHY 6A; Severe Myoclonic Epilepsy in Infancy (SMEI); Dravet syndrome. Identifiers: Orphanet 33069, MedGen C0751122, MONDO:0100135, OMIM 607208.

Submission:

Center for Bioinformatics, Peking University
Classification: Pathogenic for Dravet syndrome. Last evaluated: 2014-12-20. Review status: criteria provided, single submitter. Criteria: Xu et al. (Hum Mutat. 2015). Collection method: research. Allele origin: de novo. Affected: yes. Observed: 1 variant allele. Study: University Clinical Cooperation “985 Project” PKU-2014-1-1.
Comment: Dravet syndrome (DS) probands were recruited from the outpatient and inpatient child neurology units of Peking University First Hospital from 2005 till present. The study was approved by the Ethics Committee of Peking University First Hospital and the Institutional Review Board at Peking University. Participants or their parents provided written informed consent before enrollment. We collected a total of 267 mutations from 255 families with probands diagnosed with DS in China. All probands fulfilled the clinical diagnostic criteria.